The following is an entry in ClinVar:

NM_001382567.1(STIM1):c.1624G>A (p.Gly542Arg)

Gene: STIM1 (stromal interaction molecule 1; plus strand). Cytogenetic location: 11p15.4.
Variant type: single nucleotide variant.
Coding change: c.1624G>A on transcript NM_001382567.1 (MANE Select); coding-DNA position 1624, G replaced by A.
Protein change: p.Gly542Arg; replaces glycine 542 with arginine.
Molecular consequence: missense variant. On other transcripts: non-coding transcript variant (3).
Genome position (GRCh38, 1-based): chr11:4,086,533, G>A. VCF-style: chr11-4086533-G-A. GRCh37 (hg19) VCF-style: chr11-4107763-G-A.
Other names: c.1531G>A, p.Gly511Arg (NM_001277961.3, NM_001277962.2, NM_003156.4); c.1309G>A, p.Gly437Arg (NM_001382566.1, NM_001382575.1, NM_001382576.1 and 3 more transcripts); c.1552G>A, p.Gly518Arg (NM_001382568.1); c.1396G>A, p.Gly466Arg (NM_001382569.1); c.1303G>A, p.Gly435Arg (NM_001382570.1); c.1051G>A, p.Gly351Arg (NM_001382571.1); c.1042G>A, p.Gly348Arg (NM_001382580.1, NM_001382581.1); short protein forms G348R, G437R, G542R, G435R, G466R, G351R, G511R, G518R.
Identifiers: ClinVar variation 4782480 (VCV004782480.1).
Genomic context (GRCh38, chr11:4,086,533, plus strand): 5'-GCAGCCCCTAGCCTGCAGAGCAGTGTTCGGCAGCGCCTGACGGAGCCACAGCATGGCCTG[G>A]GATCTCAGAGGTTGGTAGAGGGCGAGGCTGGCCACTTCTTGACAAGCCGGGTATCTCTGC-3'
Protein context (NP_001369496.1, residues 532-552): QRLTEPQHGL[Gly542Arg]SQRDLTHSDS

ClinVar aggregate classification (germline): Uncertain significance (1 of 4 stars; one submission).

Conditions:
Stormorken syndrome (STRMK). Also called: THROMBOCYTOPATHY, ASPLENIA, AND MIOSIS. Identifiers: Orphanet 3204, MedGen C1861451, MONDO:0008497, OMIM 185070.
Combined immunodeficiency due to STIM1 deficiency. Also called: IMMUNODEFICIENCY 10; STIM1 DEFICIENCY. Identifiers: Orphanet 169090, Orphanet 317430, MedGen C2748557, MONDO:0013008, OMIM 612783.
Myopathy with tubular aggregates (TAM). Also called: Tubular Aggregate Myopathy. Identifiers: Orphanet 2593, MedGen C0410207, MONDO:0008051.

gnomAD v4.1: 50 of 1,614,056 alleles (0.0031%); highest among the groups gnomAD compares: Non-Finnish European, 0.0042%; no homozygotes.

Submission:

Labcorp Genetics (formerly Invitae), Labcorp
Classification: Uncertain significance for Myopathy with tubular aggregates; Combined immunodeficiency due to STIM1 deficiency; Stormorken syndrome. Last evaluated: 2026-01-23. Review status: criteria provided, single submitter. Criteria: Invitae Variant Classification Sherloc (09022015). Collection method: clinical testing. Allele origin: germline.
Comment: This sequence change replaces glycine, which is neutral and non-polar, with arginine, which is basic and polar, at codon 511 of the STIM1 protein (p.Gly511Arg). This variant is not present in population databases (gnomAD no frequency). This variant has not been reported in the literature in individuals affected with STIM1-related conditions. Invitae Evidence Modeling of protein sequence and biophysical properties (such as structural, functional, and spatial information, amino acid conservation, physicochemical variation, residue mobility, and thermodynamic stability) has been performed for this missense variant. However, the output from this modeling did not meet the statistical confidence thresholds required to predict the impact of this variant on STIM1 protein function. In summary, the available evidence is currently insufficient to determine the role of this variant in disease. Therefore, it has been classified as a Variant of Uncertain Significance.